The following is an entry in ClinVar:

ClinVar aggregate classification (germline): Uncertain significance (1 of 4 stars; one submission).

Conditions:
Amelocerebrohypohidrotic syndrome (KTZS). Also called: EPILEPSY AND YELLOW TEETH; EPILEPSY, DEMENTIA, AND AMELOGENESIS IMPERFECTA; Kohlschutter's syndrome; KOHLSCHUTTER SYNDROME. Identifiers: Orphanet 1946, MedGen C0406740, MONDO:0009185, OMIM 226750.

Allele frequency attached by ClinVar (database versions not stated): gnomAD 0.00001; gnomAD exomes 0.00001; TOPMed 0.00003.
gnomAD v4.1: 8 of 1,606,448 alleles (0.0005%); highest among the groups gnomAD compares: African/African-American, 0.0013%; no homozygotes.

Submission:

Labcorp Genetics (formerly Invitae), Labcorp
Classification: Uncertain significance for Amelocerebrohypohidrotic syndrome. Last evaluated: 2022-11-07. Review status: criteria provided, single submitter. Criteria: Invitae Variant Classification Sherloc (09022015). Collection method: clinical testing. Allele origin: germline.
Comment: In summary, the available evidence is currently insufficient to determine the role of this variant in disease. Therefore, it has been classified as a Variant of Uncertain Significance. Algorithms developed to predict the effect of missense changes on protein structure and function are either unavailable or do not agree on the potential impact of this missense change (SIFT: "Tolerated"; PolyPhen-2: "Possibly Damaging"; Align-GVGD: "Class C0"). ClinVar contains an entry for this variant (Variation ID: 1523962). This variant has not been reported in the literature in individuals affected with ROGDI-related conditions. This variant is not present in population databases (gnomAD no frequency). This sequence change replaces glycine, which is neutral and non-polar, with aspartic acid, which is acidic and polar, at codon 222 of the ROGDI protein (p.Gly222Asp).

NM_024589.3(ROGDI):c.665G>A (p.Gly222Asp)

Gene: ROGDI (rogdi atypical leucine zipper; minus strand). Cytogenetic location: 16p13.3.
Variant type: single nucleotide variant.
Coding change: c.665G>A on transcript NM_024589.3 (MANE Select); coding-DNA position 665, G replaced by A.
Protein change: p.Gly222Asp; replaces glycine 222 with aspartic acid.
Molecular consequence: missense variant. On other transcripts: non-coding transcript variant (1).
Genome position (GRCh38, 1-based): chr16:4,797,968, C>T on the plus strand (G>A on the coding strand, the complement: ROGDI is on the minus strand). VCF-style: chr16-4797968-C-T. GRCh37 (hg19) VCF-style: chr16-4847969-C-T.
Other names: short protein forms G222D.
Identifiers: ClinVar variation 1523962 (VCV001523962.7), dbSNP rs1317312771, ClinGen allele CA394649557.